The following is an entry in ClinVar:

ClinVar aggregate classification (germline): Likely pathogenic (1 of 4 stars; one submission).

gnomAD v4.1: 3 of 1,613,734 alleles (0.00019%); highest among the groups gnomAD compares: Non-Finnish European, 0.00025%; no homozygotes.

Submission:

Labcorp Genetics (formerly Invitae), Labcorp
Classification: Likely pathogenic. Last evaluated: 2022-02-25. Review status: criteria provided, single submitter. Criteria: Invitae Variant Classification Sherloc (09022015). Collection method: clinical testing. Allele origin: germline.
Comment: In summary, the currently available evidence indicates that the variant is pathogenic, but additional data are needed to prove that conclusively. Therefore, this variant has been classified as Likely Pathogenic. Algorithms developed to predict the effect of sequence changes on RNA splicing suggest that this variant may disrupt the consensus splice site. ClinVar contains an entry for this variant (Variation ID: 1009429). This variant has not been reported in the literature in individuals affected with RGS9-related conditions. This variant is not present in population databases (gnomAD no frequency). This sequence change affects an acceptor splice site in intron 1 of the RGS9 gene. It is expected to disrupt RNA splicing. Variants that disrupt the donor or acceptor splice site typically lead to a loss of protein function (PMID: 16199547), and loss-of-function variants in RGS9 are known to be pathogenic (PMID: 11262419, 14702087).

Literature cited by the submitters: PubMed 16199547; PubMed 11262419; PubMed 14702087.

NM_003835.4(RGS9):c.58-1G>T

Gene: RGS9 (regulator of G protein signaling 9; plus strand). Cytogenetic location: 17q24.1.
Variant type: single nucleotide variant.
Coding change: c.58-1G>T on transcript NM_003835.4 (MANE Select); the canonical splice acceptor site of the intron before coding-DNA position 58, G replaced by T.
Molecular consequence: splice acceptor variant.
Genome position (GRCh38, 1-based): chr17:65,153,421, G>T. VCF-style: chr17-65153421-G-T. GRCh37 (hg19) VCF-style: chr17-63149539-G-T.
Other names: c.58-1G>T (NM_001081955.3, NM_001165933.2).
Identifiers: ClinVar variation 1009429 (VCV001009429.7), dbSNP rs1910655109, ClinGen allele CA400662747.
Genomic context (GRCh38, chr17:65,153,421, plus strand): 5'-TGCCCTGCACAACTTTCAAAATTGTTCTCGTCAGTCGGCTTTTTCCTGTTCTGTCTTGCA[G>T]ATTGAAGCGCTCGTGAAGGACATGCAGAACCCAGAGACAGGGGTCCGAATGCAGAACCAG-3'